The following is an entry in ClinVar:

ClinVar aggregate classification (germline): Uncertain significance. Review status: criteria provided, multiple submitters, no conflicts (2 of 4 stars). 3 submissions from 3 submitters: Uncertain significance (3). Last evaluated 2025-03-03.

Conditions:
Hereditary cancer-predisposing syndrome. Also called: Neoplastic Syndromes, Hereditary; Hereditary neoplastic syndrome; Tumor predisposition; Hereditary Cancer Syndrome. Identifiers: Orphanet 140162, MedGen C0027672, MeSH D009386, MONDO:0015356.

Submissions (3):

Women's Health and Genetics/Laboratory Corporation of America, LabCorp
Classification: Uncertain significance. Last evaluated: 2025-03-03. Review status: criteria provided, single submitter. Criteria: LabCorp Variant Classification Summary - May 2015. Collection method: clinical testing. Allele origin: germline.
Comment: Variant summary: RAD50 c.3391G>A (p.Ala1131Thr) results in a non-conservative amino acid change in the encoded protein sequence. Three of five in-silico tools predict a benign effect of the variant on protein function. Consensus agreement among computation tools predict no significant impact on normal splicing. However, these predictions have yet to be confirmed by functional studies. The variant was absent in 251134 control chromosomes. The available data on variant occurrences in the general population are insufficient to allow any conclusion about variant significance. To our knowledge, no occurrence of c.3391G>A in individuals affected with Nijmegen Breakage Syndrome-Like Disorder or Hereditary Breast And Ovarian Cancer Syndrome and no experimental evidence demonstrating its impact on protein function have been reported. ClinVar contains an entry for this variant (Variation ID: 1393871). Based on the evidence outlined above, the variant was classified as uncertain significance.

Ambry Genetics
Classification: Uncertain significance for Hereditary cancer-predisposing syndrome. Last evaluated: 2024-10-23. Review status: criteria provided, single submitter. Criteria: Ambry Variant Classification Scheme 2023. Collection method: clinical testing. Allele origin: germline.
Comment: The p.A1131T variant (also known as c.3391G>A), located in coding exon 22 of the RAD50 gene, results from a G to A substitution at nucleotide position 3391. The alanine at codon 1131 is replaced by threonine, an amino acid with similar properties. This amino acid position is conserved. In addition, this alteration is predicted to be tolerated by in silico analysis. Based on the available evidence, the clinical significance of this variant remains unclear.

Labcorp Genetics (formerly Invitae), Labcorp
Classification: Uncertain significance for Hereditary cancer-predisposing syndrome. Last evaluated: 2020-11-28. Review status: criteria provided, single submitter. Criteria: Invitae Variant Classification Sherloc (09022015). Collection method: clinical testing. Allele origin: germline.
Comment: In summary, the available evidence is currently insufficient to determine the role of this variant in disease. Therefore, it has been classified as a Variant of Uncertain Significance. Algorithms developed to predict the effect of missense changes on protein structure and function (SIFT, PolyPhen-2, Align-GVGD) all suggest that this variant is likely to be tolerated, but these predictions have not been confirmed by published functional studies and their clinical significance is uncertain. This variant has not been reported in the literature in individuals with RAD50-related conditions. This variant is not present in population databases (ExAC no frequency). This sequence change replaces alanine with threonine at codon 1131 of the RAD50 protein (p.Ala1131Thr). The alanine residue is moderately conserved and there is a small physicochemical difference between alanine and threonine.

NM_005732.4(RAD50):c.3391G>A (p.Ala1131Thr)

Genes: TH2LCRR (T helper type 2 locus control region associated RNA; minus strand), TH2-LCR (Th2 cytokine locus control region; plus strand), RAD50 (RAD50 double strand break repair protein; plus strand). Cytogenetic location: 5q31.1.
Variant type: single nucleotide variant.
Coding change: c.3391G>A on transcript NM_005732.4 (MANE Select); coding-DNA position 3391, G replaced by A.
Protein change: p.Ala1131Thr; replaces alanine 1131 with threonine.
Molecular consequence: missense variant.
Genome position (GRCh38, 1-based): chr5:132,637,116, G>A. VCF-style: chr5-132637116-G-A. GRCh37 (hg19) VCF-style: chr5-131972808-G-A.
Other names: c.3391G>A (NM_005732.3); short protein forms A1131T.
Identifiers: ClinVar variation 1393871 (VCV001393871.10), dbSNP rs2149862705, ClinGen allele CA360929655.